The following is an entry in ClinVar:

NM_203446.3(SYNJ1):c.2113A>T (p.Ile705Leu)

Gene: SYNJ1 (synaptojanin 1; minus strand). Cytogenetic location: 21q22.11.
Variant type: single nucleotide variant.
Coding change: c.2113A>T on transcript NM_203446.3 (MANE Select); coding-DNA position 2113, A replaced by T.
Protein change: p.Ile705Leu; replaces isoleucine 705 with leucine.
Molecular consequence: missense variant.
Genome position (GRCh38, 1-based): chr21:32,665,975, T>A on the plus strand (A>T on the coding strand, the complement: SYNJ1 is on the minus strand). VCF-style: chr21-32665975-T-A. GRCh37 (hg19) VCF-style: chr21-34038285-T-A.
Other names: c.2113A>T, p.Ile705Leu (NM_001160302.2); c.2098A>T, p.Ile700Leu (NM_001160306.2); c.2230A>T, p.Ile744Leu (NM_003895.4); short protein forms I700L, I705L, I744L.
Identifiers: ClinVar variation 1056898 (VCV001056898.9), dbSNP rs761614356, ClinGen allele CA410079127.

ClinVar aggregate classification (germline): Uncertain significance (1 of 4 stars; one submission).

Conditions:
Developmental and epileptic encephalopathy, 53. Also called: Epileptic encephalopathy, early infantile, 53. Identifiers: MedGen C4479313, MONDO:0033362, OMIM 617389.
Early-onset Parkinson disease 20. Also called: PARKINSON DISEASE 20, AUTOSOMAL RECESSIVE EARLY-ONSET. Identifiers: Orphanet 391411, MedGen C3809824, MONDO:0014233, OMIM 615530.

gnomAD v4.1: 2 of 1,612,274 alleles (0.00012%); highest among the groups gnomAD compares: Non-Finnish European, 0.000085%; no homozygotes.

Submission:

Labcorp Genetics (formerly Invitae), Labcorp
Classification: Uncertain significance for Developmental and epileptic encephalopathy, 53; Early-onset Parkinson disease 20. Last evaluated: 2020-07-13. Review status: criteria provided, single submitter. Criteria: Invitae Variant Classification Sherloc (09022015). Collection method: clinical testing. Allele origin: germline.
Comment: This sequence change replaces isoleucine with leucine at codon 744 of the SYNJ1 protein (p.Ile744Leu). The isoleucine residue is weakly conserved and there is a small physicochemical difference between isoleucine and leucine. This variant is not present in population databases (ExAC no frequency). This variant has not been reported in the literature in individuals with SYNJ1-related conditions. Algorithms developed to predict the effect of missense changes on protein structure and function (SIFT, PolyPhen-2, Align-GVGD) all suggest that this variant is likely to be tolerated, but these predictions have not been confirmed by published functional studies and their clinical significance is uncertain. In summary, the available evidence is currently insufficient to determine the role of this variant in disease. Therefore, it has been classified as a Variant of Uncertain Significance.